The following is an entry in ClinVar:

ClinVar aggregate classification (germline): Uncertain significance (1 of 4 stars; one submission).

Conditions:
MKS1-related disorder. Also called: MKS1-related disorders; MKS1-related condition. Identifiers: MedGen CN239382.

Submission:

PreventionGenetics, part of Exact Sciences
Classification: Uncertain significance for MKS1-related condition. Last evaluated: 2025-03-27. Review status: criteria provided, single submitter. Criteria: ACMG Guidelines, 2015. Collection method: clinical testing. Allele origin: germline.
Comment: The MKS1 c.1268C>G variant is predicted to result in the amino acid substitution p.Thr423Ser. To our knowledge, this variant has not been reported in the literature or in a large population database (gnomAD), indicating this variant is rare. At this time, the clinical significance of this variant is uncertain due to the absence of conclusive functional and genetic evidence.

NM_017777.4(MKS1):c.1268C>G (p.Thr423Ser)

Gene: MKS1 (MKS transition zone complex subunit 1; minus strand). Cytogenetic location: 17q22.
Variant type: single nucleotide variant.
Coding change: c.1268C>G on transcript NM_017777.4 (MANE Select); coding-DNA position 1268, C replaced by G.
Protein change: p.Thr423Ser; replaces threonine 423 with serine.
Molecular consequence: missense variant.
Genome position (GRCh38, 1-based): chr17:58,207,899, G>C on the plus strand (C>G on the coding strand, the complement: MKS1 is on the minus strand). VCF-style: chr17-58207899-G-C. GRCh37 (hg19) VCF-style: chr17-56285260-G-C.
Other names: c.659C>G, p.Thr220Ser (NM_001321268.2); c.1268C>G, p.Thr423Ser (NM_001321269.2, NM_001330397.2, NM_001411113.1); short protein forms T220S, T423S.
Identifiers: ClinVar variation 4998566 (VCV004998566.1).